The following is an entry in ClinVar:

ClinVar aggregate classification (germline): Uncertain significance. Review status: criteria provided, multiple submitters, no conflicts (2 of 4 stars). 2 submissions from 2 submitters: Uncertain significance (2). Last evaluated 2025-11-07.

Conditions:
Inborn genetic diseases. Identifiers: MedGen C0950123, MeSH D030342.
Glycogen storage disease, type VII (GSD7). Also called: MUSCLE PHOSPHOFRUCTOKINASE DEFICIENCY; GSD VII; PFKM DEFICIENCY; TARUI DISEASE. Identifiers: Orphanet 371, MedGen C0017926, MONDO:0009295, OMIM 232800.

Submissions (2):

Ambry Genetics
Classification: Uncertain significance for Inborn genetic diseases. Last evaluated: 2025-11-07. Review status: criteria provided, single submitter. Criteria: Ambry Variant Classification Scheme 2023. Collection method: clinical testing. Allele origin: germline.

Labcorp Genetics (formerly Invitae), Labcorp
Classification: Uncertain significance for Glycogen storage disease, type VII. Last evaluated: 2022-05-29. Review status: criteria provided, single submitter. Criteria: Invitae Variant Classification Sherloc (09022015). Collection method: clinical testing. Allele origin: germline.
Comment: Algorithms developed to predict the effect of missense changes on protein structure and function (SIFT, PolyPhen-2, Align-GVGD) all suggest that this variant is likely to be tolerated. In summary, the available evidence is currently insufficient to determine the role of this variant in disease. Therefore, it has been classified as a Variant of Uncertain Significance. This sequence change replaces valine, which is neutral and non-polar, with leucine, which is neutral and non-polar, at codon 354 of the PFKM protein (p.Val354Leu). This variant has not been reported in the literature in individuals affected with PFKM-related conditions. This variant is not present in population databases (gnomAD no frequency).

NM_000289.6(PFKM):c.1060G>T (p.Val354Leu)

Gene: PFKM (phosphofructokinase, muscle; plus strand). Cytogenetic location: 12q13.11.
Variant type: single nucleotide variant.
Coding change: c.1060G>T on transcript NM_000289.6 (MANE Select); coding-DNA position 1060, G replaced by T.
Protein change: p.Val354Leu; replaces valine 354 with leucine.
Molecular consequence: missense variant. On other transcripts: non-coding transcript variant (6), intron variant (1).
Genome position (GRCh38, 1-based): chr12:48,137,844, G>T. VCF-style: chr12-48137844-G-T. GRCh37 (hg19) VCF-style: chr12-48531627-G-T.
Other names: c.1060G>T (NM_000289.5); c.1273G>T, p.Val425Leu (NM_001166686.2, NM_001354737.1, NM_001354738.1 and 1 more transcripts); c.1060G>T, p.Val354Leu (NM_001166687.2, NM_001166688.2, NM_001354742.2 and 2 more transcripts); c.1369G>T, p.Val457Leu (NM_001354735.1, NM_001354736.1); c.1204G>T, p.Val402Leu (NM_001354740.1); c.1084G>T, p.Val362Leu (NM_001354741.2); c.973G>T, p.Val325Leu (NM_001354745.2); c.910G>T, p.Val304Leu (NM_001354747.2, NM_001354748.2); and 2 more; short protein forms V323L, V362L, V304L, V425L, V354L, V402L, V325L, V457L.
Identifiers: ClinVar variation 1939786 (VCV001939786.6), dbSNP rs930337550, ClinGen allele CA384547592.